The following is an entry in ClinVar:

NM_001042492.3(NF1):c.3496+2T>A

Gene: NF1 (neurofibromin 1; plus strand). Cytogenetic location: 17q11.2.
Variant type: single nucleotide variant.
Coding change: c.3496+2T>A on transcript NM_001042492.3 (MANE Select); the canonical splice donor site of the intron after coding-DNA position 3496, T replaced by A.
Molecular consequence: splice donor variant.
Genome position (GRCh38, 1-based): chr17:31,232,883, T>A. VCF-style: chr17-31232883-T-A. GRCh37 (hg19) VCF-style: chr17-29559901-T-A.
Other names: c.3496+2T>A (NM_000267.4).
Identifiers: ClinVar variation 3726941 (VCV003726941.2).

ClinVar aggregate classification (germline): Pathogenic. Review status: criteria provided, multiple submitters, no conflicts (2 of 4 stars). 2 submissions from 2 submitters: Pathogenic (2). Last evaluated 2025-06-30.

Conditions:
Neurofibromatosis, type 1 (NF1). Also called: NEUROFIBROMATOSIS, TYPE I, SOMATIC; Peripheral type neurofibromatosis; Neurofibromatosis, type I; VON RECKLINGHAUSEN DISEASE. Identifiers: Orphanet 636, MedGen C0027831, MONDO:0018975, OMIM 162200. Disease mechanism: loss of function.

Submissions (2):

Department of Human Genetics, Hannover Medical School
Classification: Pathogenic for Neurofibromatosis, type 1. Last evaluated: 2025-06-30. Review status: criteria provided, single submitter. Criteria: ACMG Guidelines, 2015. Collection method: clinical testing. Allele origin: germline. Inheritance: Autosomal dominant inheritance. Affected: yes.
Comment: PVS1, PM2_Supporting, PP4_Strong

Labcorp Genetics (formerly Invitae), Labcorp
Classification: Pathogenic for Neurofibromatosis, type 1. Last evaluated: 2024-12-09. Review status: criteria provided, single submitter. Criteria: Invitae Variant Classification Sherloc (09022015). Collection method: clinical testing. Allele origin: germline.
Comment: This sequence change affects a donor splice site in intron 26 of the NF1 gene. RNA analysis indicates that disruption of this splice site induces altered splicing and may result in an absent or altered protein product. This variant is not present in population databases (gnomAD no frequency). Disruption of this splice site has been observed in individual(s) with neurofibromatosis type 1 (PMID: 9544853). Studies have shown that disruption of this splice site results in skipping of exon 26 (also known as exon 20), and produces a non-functional protein and/or introduces a premature termination codon (PMID: 9544853). For these reasons, this variant has been classified as Pathogenic.

Literature cited by the submitters: PubMed 9544853 (cited by Labcorp Genetics (formerly Invitae), Labcorp).